The following is an entry in ClinVar:

ClinVar aggregate classification (germline): Pathogenic. Review status: criteria provided, multiple submitters, no conflicts (2 of 4 stars). 3 submissions from 3 submitters: Pathogenic (2). 1 of the submissions does not count toward it. Last evaluated 2024-09-09.

Conditions:
Cardiovascular phenotype. Identifiers: MedGen CN230736.
Telangiectasia, hereditary hemorrhagic, type 2 (HHT2). Also called: ACVRL1-Related Hereditary Hemorrhagic Telangiectasia; Telangiectasia, hereditary hemorrhagic, type II. Identifiers: Orphanet 774, MedGen C1838163, MONDO:0010880, OMIM 600376. Disease mechanism: loss of function.

Submissions (3):

Labcorp Genetics (formerly Invitae), Labcorp
Classification: Pathogenic for Telangiectasia, hereditary hemorrhagic, type 2. Last evaluated: 2024-09-09. Review status: criteria provided, single submitter. Criteria: Invitae Variant Classification Sherloc (09022015). Collection method: clinical testing. Allele origin: germline.
Comment: This sequence change creates a premature translational stop signal (p.His297Ilefs*4) in the ACVRL1 gene. It is expected to result in an absent or disrupted protein product. Loss-of-function variants in ACVRL1 are known to be pathogenic (PMID: 15879500). This variant is not present in population databases (gnomAD no frequency). This variant has not been reported in the literature in individuals affected with ACVRL1-related conditions. ClinVar contains an entry for this variant (Variation ID: 411311). For these reasons, this variant has been classified as Pathogenic.

Ambry Genetics
Classification: Pathogenic for Cardiovascular phenotype. Last evaluated: 2018-05-31. Review status: criteria provided, single submitter. Criteria: Ambry Variant Classification Scheme 2023. Collection method: clinical testing. Allele origin: germline.
Comment: The c.889delC pathogenic mutation, located in coding exon 6 of the ACVRL1 gene, results from a deletion of one nucleotide at nucleotide position 889, causing a translational frameshift with a predicted alternate stop codon (p.H297Ifs*4). This alteration is expected to result in loss of function by premature protein truncation or nonsense-mediated mRNA decay. As such, this alteration is interpreted as a disease-causing mutation.

Genomics And Bioinformatics Analysis Resource, Columbia University
Classification: Likely pathogenic for Telangiectasia, hereditary hemorrhagic, type 2. Review status: no assertion criteria provided. Collection method: research. Allele origin: unknown. Affected: yes. Not counted in ClinVar's aggregate classification.

Literature cited by the submitters: PubMed 15879500 (cited by Labcorp Genetics (formerly Invitae), Labcorp).

NM_000020.3(ACVRL1):c.889del (p.His297fs)

Gene: ACVRL1 (activin A receptor like type 1; plus strand). Cytogenetic location: 12q13.13.
Variant type: Deletion.
Coding change: c.889del on transcript NM_000020.3 (MANE Select); coding-DNA position 889, one base deleted (C; older notation c.889delC).
Protein change: p.His297fs; shifts the reading frame from histidine 297.
Molecular consequence: frameshift variant.
Genome position (GRCh38, 1-based): chr12:51,915,341, C deleted; the last of 4 consecutive C bases (chr12:51,915,338-51,915,341); deleting any one gives the same sequence. VCF-style (leftmost placement, unchanged base first): chr12-51915337-GC-G. GRCh37 (hg19) VCF-style: chr12-52309121-GC-G.
Other names: c.889delC (NM_000020.2); c.889del, p.His297fs (NM_001077401.2); short protein forms H297fs.
Identifiers: ClinVar variation 411311 (VCV000411311.9), dbSNP rs1060503245, ClinGen allele CA16614159.